The following is an entry in ClinVar:

NM_013275.6(ANKRD11):c.2650G>A (p.Asp884Asn)

Gene: ANKRD11 (ankyrin repeat domain 11; minus strand). Cytogenetic location: 16q24.3.
Variant type: single nucleotide variant.
Coding change: c.2650G>A on transcript NM_013275.6 (MANE Select); coding-DNA position 2650, G replaced by A.
Protein change: p.Asp884Asn; replaces aspartic acid 884 with asparagine.
Molecular consequence: missense variant.
Genome position (GRCh38, 1-based): chr16:89,283,892, C>T on the plus strand (G>A on the coding strand, the complement: ANKRD11 is on the minus strand). VCF-style: chr16-89283892-C-T. GRCh37 (hg19) VCF-style: chr16-89350300-C-T.
Other names: c.2650G>A, p.Asp884Asn (NM_001256182.2, NM_001256183.2); short protein forms D884N.
Identifiers: ClinVar variation 3621760 (VCV003621760.7).

ClinVar aggregate classification (germline): Conflicting classifications of pathogenicity. Review status: criteria provided, conflicting classifications (1 of 4 stars). 2 submissions from 2 submitters: Uncertain significance (1); Likely benign (1). Last evaluated 2026-01-01.

Conditions:
KBG syndrome (KBGS). Also called: ANKRD11-Related KBG Syndrome. Identifiers: Orphanet 2332, MedGen C0220687, MONDO:0007846, OMIM 148050.

gnomAD v4.1: 13 of 1,614,086 alleles (0.00081%); highest among the groups gnomAD compares: South Asian, 0.0011%; no homozygotes.

Submissions (2):

CeGaT Center for Human Genetics Tuebingen
Classification: Likely benign. Last evaluated: 2026-01-01. Review status: criteria provided, single submitter. Criteria: CeGaT Center For Human Genetics Tuebingen Variant Classification Criteria Version 2. Collection method: clinical testing. Allele origin: germline. Affected: yes. Observed: 1 variant allele.
Comment: ANKRD11: BP4

Labcorp Genetics (formerly Invitae), Labcorp
Classification: Uncertain significance for KBG syndrome. Last evaluated: 2025-11-24. Review status: criteria provided, single submitter. Criteria: Invitae Variant Classification Sherloc (09022015). Collection method: clinical testing. Allele origin: germline.
Comment: This sequence change replaces aspartic acid, which is acidic and polar, with asparagine, which is neutral and polar, at codon 884 of the ANKRD11 protein (p.Asp884Asn). This variant is present in population databases (rs754465717, gnomAD 0.004%). This variant has not been reported in the literature in individuals affected with ANKRD11-related conditions. ClinVar contains an entry for this variant (Variation ID: 3621760). Invitae Evidence Modeling of protein sequence and biophysical properties (such as structural, functional, and spatial information, amino acid conservation, physicochemical variation, residue mobility, and thermodynamic stability) indicates that this missense variant is not expected to disrupt ANKRD11 protein function with a negative predictive value of 95%. In summary, the available evidence is currently insufficient to determine the role of this variant in disease. Therefore, it has been classified as a Variant of Uncertain Significance.